The following is an entry in ClinVar:

ClinVar aggregate classification (germline): Uncertain significance. Review status: criteria provided, multiple submitters, no conflicts (2 of 4 stars). 6 submissions from 6 submitters: Uncertain significance (4). 2 of the submissions do not count toward it. Last evaluated 2025-07-30.

Conditions:
Ataxia-telangiectasia syndrome (AT). Also called: LOUIS-BAR SYNDROME; Ataxia-telangiectasia, complementation group E; Ataxia-telangiectasia, complementation group D; AT, COMPLEMENTATION GROUP C; Ataxia telangiectasia (A-T); Cerebello-oculocutaneous telangiectasia. Identifiers: Orphanet 100, MedGen C0004135, MONDO:0008840, OMIM 208900.
Hereditary cancer-predisposing syndrome. Also called: Neoplastic Syndromes, Hereditary; Hereditary Cancer Syndrome; Hereditary neoplastic syndrome; Tumor predisposition. Identifiers: Orphanet 140162, MedGen C0027672, MeSH D009386, MONDO:0015356.

Submissions (6):

Labcorp Genetics (formerly Invitae), Labcorp
Classification: Uncertain significance for Ataxia-telangiectasia syndrome. Last evaluated: 2025-07-30. Review status: criteria provided, single submitter. Criteria: Invitae Variant Classification Sherloc (09022015). Collection method: clinical testing. Allele origin: germline.
Comment: This sequence change falls in intron 22 of the ATM gene. It does not directly change the encoded amino acid sequence of the ATM protein. It affects a nucleotide within the consensus splice site. This variant is not present in population databases (gnomAD no frequency). This variant has not been reported in the literature in individuals affected with ATM-related conditions. ClinVar contains an entry for this variant (Variation ID: 644412). Variants that disrupt the consensus splice site are a relatively common cause of aberrant splicing (PMID: 17576681, 9536098). Algorithms developed to predict the effect of sequence changes on RNA splicing suggest that this variant may disrupt the consensus splice site. In summary, the available evidence is currently insufficient to determine the role of this variant in disease. Therefore, it has been classified as a Variant of Uncertain Significance.

Center for Genomic Medicine, Rigshospitalet, Copenhagen University Hospital
Classification: Uncertain significance. Last evaluated: 2025-03-04. Review status: criteria provided, single submitter. Criteria: ACMG Guidelines, 2015. Collection method: clinical testing. Allele origin: germline.

GeneDx
Classification: Uncertain significance. Last evaluated: 2024-10-31. Review status: criteria provided, single submitter. Criteria: GeneDx Variant Classification Process June 2021. Collection method: clinical testing. Allele origin: germline. Affected: yes.
Comment: Not observed at significant frequency in large population cohorts (gnomAD); Has not been previously published as pathogenic or benign to our knowledge; In silico analysis is inconclusive as to whether the variant alters gene splicing. In the absence of RNA/functional studies, the actual effect of this sequence change is unknown.

Ambry Genetics
Classification: Uncertain significance for Hereditary cancer-predisposing syndrome. Last evaluated: 2024-05-10. Review status: criteria provided, single submitter. Criteria: Ambry Variant Classification Scheme 2023. Collection method: clinical testing. Allele origin: germline.
Comment: The c.3284+3A>G intronic variant results from an A to G substitution 3 nucleotides after coding exon 21 in the ATM gene. This nucleotide position is well conserved in available vertebrate species. In silico splice site analysis predicts that this alteration may weaken the native splice donor site; however, direct evidence is insufficient at this time (Ambry internal data). Since supporting evidence is limited at this time, the clinical significance of this alteration remains unclear.

Solve-RD Consortium
Classification: Likely pathogenic for Ataxia-telangiectasia syndrome. Last evaluated: 2022-06-01. Review status: no assertion criteria provided. Collection method: provider interpretation. Allele origin: inherited. Affected: yes. Not counted in ClinVar's aggregate classification.
Comment: Variant confirmed as disease-causing by referring clinical team

Variant identified during reanalysis of unsolved cases by the Solve-RD project. The Solve-RD project has received funding from the European Union’s Horizon 2020 research and innovation programme under grant agreement No 779257.

Natera, Inc.
Classification: Uncertain significance for Ataxia-telangiectasia. Last evaluated: 2021-03-31. Review status: no assertion criteria provided. Collection method: clinical testing. Allele origin: germline. Not counted in ClinVar's aggregate classification.

Literature cited by the submitters: PubMed 17576681 (cited by Labcorp Genetics (formerly Invitae), Labcorp); PubMed 9536098 (cited by Labcorp Genetics (formerly Invitae), Labcorp); PubMed 39825153 (cited by Solve-RD Consortium).

NM_000051.4(ATM):c.3284+3A>G

Gene: ATM (ATM serine/threonine kinase; plus strand). Cytogenetic location: 11q22.3.
Variant type: single nucleotide variant.
Coding change: c.3284+3A>G on transcript NM_000051.4 (MANE Select); 3 bases into the intron after coding-DNA position 3284, A replaced by G.
Molecular consequence: intron variant.
Genome position (GRCh38, 1-based): chr11:108,272,855, A>G. VCF-style: chr11-108272855-A-G. GRCh37 (hg19) VCF-style: chr11-108143582-A-G.
Other names: c.3284+3A>G (NM_001351834.2).
Identifiers: ClinVar variation 644412 (VCV000644412.18), dbSNP rs1591610398, ClinGen allele CA915948379.